The following is an entry in ClinVar:

NM_030958.3(SLCO5A1):c.2417A>G (p.Glu806Gly)

Gene: SLCO5A1 (solute carrier organic anion transporter family member 5A1; minus strand). Cytogenetic location: 8q13.3.
Variant type: single nucleotide variant.
Coding change: c.2417A>G on transcript NM_030958.3 (MANE Select); coding-DNA position 2417, A replaced by G.
Protein change: p.Glu806Gly; replaces glutamic acid 806 with glycine.
Molecular consequence: missense variant. On other transcripts: 3 prime UTR variant (1).
Genome position (GRCh38, 1-based): chr8:69,672,999, T>C on the plus strand (A>G on the coding strand, the complement: SLCO5A1 is on the minus strand). VCF-style: chr8-69672999-T-C. GRCh37 (hg19) VCF-style: chr8-70585234-T-C.
Other names: c.*288A>G (NM_001146008.2); c.2252A>G, p.Glu751Gly (NM_001146009.1); short protein forms E751G, E806G.
Identifiers: ClinVar variation 2718734 (VCV002718734.3), dbSNP rs745969523, ClinGen allele CA4776332.

ClinVar aggregate classification (germline): Uncertain significance (1 of 4 stars; one submission).

Allele frequency attached by ClinVar (database versions not stated): gnomAD exomes below 0.00001; ExAC 0.00002; gnomAD 0.00003; TOPMed 0.00003.

Submission:

Labcorp Genetics (formerly Invitae), Labcorp
Classification: Uncertain significance. Last evaluated: 2023-06-14. Review status: criteria provided, single submitter. Criteria: Invitae Variant Classification Sherloc (09022015). Collection method: clinical testing. Allele origin: germline.
Comment: This sequence change replaces glutamic acid, which is acidic and polar, with glycine, which is neutral and non-polar, at codon 806 of the SLCO5A1 protein (p.Glu806Gly). This variant is present in population databases (rs745969523, gnomAD 0.02%). This variant has not been reported in the literature in individuals affected with SLCO5A1-related conditions. An algorithm developed to predict the effect of missense changes on protein structure and function (PolyPhen-2) suggests that this variant is likely to be disruptive. In summary, the available evidence is currently insufficient to determine the role of this variant in disease. Therefore, it has been classified as a Variant of Uncertain Significance.